The following is an entry in ClinVar:

NM_001270.4(CHD1):c.3928A>C (p.Ile1310Leu)

Gene: CHD1 (chromodomain helicase DNA binding protein 1; minus strand). Cytogenetic location: 5q15.
Variant type: single nucleotide variant.
Coding change: c.3928A>C on transcript NM_001270.4 (MANE Select); coding-DNA position 3928, A replaced by C.
Protein change: p.Ile1310Leu; replaces isoleucine 1310 with leucine.
Molecular consequence: missense variant. On other transcripts: non-coding transcript variant (2).
Genome position (GRCh38, 1-based): chr5:98,870,737, T>G on the plus strand (A>C on the coding strand, the complement: CHD1 is on the minus strand). VCF-style: chr5-98870737-T-G. GRCh37 (hg19) VCF-style: chr5-98206441-T-G.
Other names: c.3928A>C, p.Ile1310Leu (NM_001364113.3, NM_001376194.2); short protein forms I1310L.
Identifiers: ClinVar variation 4881082 (VCV004881082.2).

ClinVar aggregate classification (germline): Uncertain significance (1 of 4 stars; one submission).

Submission:

Dasa
Classification: Uncertain significance. Last evaluated: 2026-01-16. Review status: criteria provided, single submitter. Criteria: DASA Assertion Criteria. Collection method: clinical testing. Allele origin: germline.
Comment: NM_001270.4(CHD1):c.3928A>C (p.Ile1310Leu) is a missense variant that results in the substitution of isoleucine with leucine. This variant is rare in population databases. The currently available literature and clinical evidence are not sufficient to establish a definitive association between this variant and the reported condition. Therefore, this variant is classified as a variant of uncertain significance.